The following is an entry in ClinVar:

NM_007294.4(BRCA1):c.2055dup (p.Glu686Ter)

Gene: BRCA1 (BRCA1 DNA repair associated; minus strand). Cytogenetic location: 17q21.31.
Variant type: Duplication.
Coding change: c.2055dup on transcript NM_007294.4 (MANE Select); coding-DNA position 2055, one base duplicated (T; older notation c.2055dupT).
Protein change: p.Glu686Ter; replaces glutamic acid 686 with a stop codon.
Molecular consequence: nonsense. On other transcripts: intron variant (137), frameshift variant (1).
Genome position (GRCh38, 1-based): chr17:43,093,476, A duplicated on the plus strand (T on the coding strand, the reverse complement: BRCA1 is on the minus strand). VCF-style (leftmost placement, unchanged base first): chr17-43093475-C-CA. GRCh37 (hg19) VCF-style: chr17-41245492-C-CA.
Other names: c.1842dup, p.Glu615Ter (NM_001407571.1, NM_001407853.1, NM_001407894.1 and 9 more transcripts); c.2055dup, p.Glu686Ter (NM_001407581.1, NM_001407582.1, NM_001407583.1 and 30 more transcripts); c.2052dup, p.Glu685Ter (NM_001407587.1, NM_001407590.1, NM_001407591.1 and 22 more transcripts); c.2046dup, p.Glu683Ter (NM_001407646.1, NM_001407647.1); c.1932dup, p.Glu645Ter (NM_001407648.1, NM_001407664.1, NM_001407665.1 and 19 more transcripts); c.1929dup, p.Glu644Ter (NM_001407649.1, NM_001407670.1, NM_001407671.1 and 11 more transcripts); c.1977dup, p.Glu660Ter (NM_001407653.1, NM_001407654.1, NM_001407655.1 and 4 more transcripts); c.1974dup, p.Glu659Ter (NM_001407659.1, NM_001407660.1, NM_001407661.1 and 1 more transcripts); and 41 more; short protein forms E639*, E686*, E558*, E615*, E518*, E559*, E597*, E645*.
Identifiers: ClinVar variation 1785125 (VCV001785125.2), dbSNP rs2552194490, ClinGen allele CA2580094096.

ClinVar aggregate classification (germline): Pathogenic (1 of 4 stars; one submission).

Conditions:
Hereditary cancer-predisposing syndrome. Also called: Neoplastic Syndromes, Hereditary; Tumor predisposition; Hereditary Cancer Syndrome; Hereditary neoplastic syndrome. Identifiers: Orphanet 140162, MedGen C0027672, MeSH D009386, MONDO:0015356.

Submission:

Ambry Genetics
Classification: Pathogenic for Hereditary cancer-predisposing syndrome. Last evaluated: 2020-12-01. Review status: criteria provided, single submitter. Criteria: Ambry Variant Classification Scheme 2023. Collection method: clinical testing. Allele origin: germline.
Comment: The c.2055dupT pathogenic mutation, located in coding exon 9 of the BRCA1 gene, results from a duplication of T at nucleotide position 2055, causing a translational frameshift with a predicted alternate stop codon (p.E686*). This alteration is expected to result in loss of function by premature protein truncation or nonsense-mediated mRNA decay. As such, this alteration is interpreted as a disease-causing mutation.